The following is an entry in ClinVar:

NM_002715.4(PPP2CA):c.920A>G (p.Tyr307Cys)

Gene: PPP2CA (protein phosphatase 2 catalytic subunit alpha; minus strand). Cytogenetic location: 5q31.1.
Variant type: single nucleotide variant.
Coding change: c.920A>G on transcript NM_002715.4 (MANE Select); coding-DNA position 920, A replaced by G.
Protein change: p.Tyr307Cys; replaces tyrosine 307 with cysteine.
Molecular consequence: missense variant. On other transcripts: non-coding transcript variant (1).
Genome position (GRCh38, 1-based): chr5:134,197,782, T>C on the plus strand (A>G on the coding strand, the complement: PPP2CA is on the minus strand). VCF-style: chr5-134197782-T-C. GRCh37 (hg19) VCF-style: chr5-133533473-T-C.
Other names: c.725A>G, p.Tyr242Cys (NM_001355019.2); short protein forms Y242C, Y307C.
Identifiers: ClinVar variation 1312350 (VCV001312350.2), dbSNP rs2149382243, ClinGen allele CA360997416.

ClinVar aggregate classification (germline): Uncertain significance (1 of 4 stars; one submission).

Submission:

GeneDx
Classification: Uncertain significance. Last evaluated: 2019-09-27. Review status: criteria provided, single submitter. Criteria: GeneDx Variant Classification Process June 2021. Collection method: clinical testing. Allele origin: germline. Affected: yes.
Comment: Not observed in large population cohorts (Lek et al., 2016); In silico analysis, which includes protein predictors and evolutionary conservation, supports a deleterious effect; Has not been previously published as pathogenic or benign to our knowledge